The following is an entry in ClinVar:

ClinVar aggregate classification (germline): Pathogenic (1 of 4 stars; one submission).

Conditions:
LAMA2-related muscular dystrophy (LAMA2-RD). Also called: Laminin alpha 2-related dystrophy. Identifiers: MedGen C5679788, MONDO:0100228.

Submission:

Myriad Genetics, Inc.
Classification: Pathogenic for LAMA2-related muscular dystrophy. Last evaluated: 2023-09-05. Review status: criteria provided, single submitter. Criteria: Myriad Autosomal Dominant, Autosomal Recessive and X-Linked Classification Criteria (2023). Collection method: clinical testing. Allele origin: unknown.
Comment: NM_000426.3(LAMA2):c.3976delC(R1326Efs*36) is expected to be pathogenic in the context of muscular dystrophy, LAMA2-related. This variant is predicted to lead to an abnormal or absent protein product due to the creation of a premature termination codon in LAMA2, a gene where loss-of-function variants are known to be pathogenic. Please note: this variant was assessed in the context of healthy population screening.

NM_000426.4(LAMA2):c.3976del (p.Arg1326fs)

Gene: LAMA2 (laminin subunit alpha 2; plus strand). Cytogenetic location: 6q22.33.
Variant type: Deletion.
Coding change: c.3976del on transcript NM_000426.4 (MANE Select); coding-DNA position 3976, one base deleted (C; older notation c.3976delC).
Protein change: p.Arg1326fs; shifts the reading frame from arginine 1326.
Molecular consequence: frameshift variant.
Genome position (GRCh38, 1-based): chr6:129,316,089, C deleted; the last of 3 consecutive C bases (chr6:129,316,087-129,316,089); deleting any one gives the same sequence. VCF-style (leftmost placement, unchanged base first): chr6-129316086-AC-A. GRCh37 (hg19) VCF-style: chr6-129637231-AC-A.
Other names: c.3976del, p.Arg1326fs (NM_001079823.2); short protein forms R1326fs.
Identifiers: ClinVar variation 5011571 (VCV005011571.1).